The following is an entry in ClinVar:

ClinVar aggregate classification (germline): Uncertain significance. Review status: criteria provided, multiple submitters, no conflicts (2 of 4 stars). 2 submissions from 2 submitters: Uncertain significance (2). Last evaluated 2025-09-19.

Conditions:
Ataxia-telangiectasia syndrome (AT). Also called: LOUIS-BAR SYNDROME; Ataxia-telangiectasia; Cerebello-oculocutaneous telangiectasia; Immunodeficiency with ataxia telangiectasia; ATAXIA-TELANGIECTASIA, COMPLEMENTATION GROUP A; ATAXIA-TELANGIECTASIA, FRESNO VARIANT. Identifiers: Orphanet 100, MedGen C0004135, MONDO:0008840, OMIM 208900.
Hereditary cancer-predisposing syndrome. Also called: Neoplastic Syndromes, Hereditary; Tumor predisposition; Hereditary neoplastic syndrome; Hereditary Cancer Syndrome. Identifiers: Orphanet 140162, MedGen C0027672, MeSH D009386, MONDO:0015356.

Allele frequency attached by ClinVar (database versions not stated): gnomAD exomes below 0.00001; ExAC 0.00001.
gnomAD v4.1: 1 of 1,611,450 alleles (0.000062%); highest among the groups gnomAD compares: East Asian, 0.0022%; no homozygotes.

Submissions (2):

Ambry Genetics
Classification: Uncertain significance for Hereditary cancer-predisposing syndrome. Last evaluated: 2025-09-19. Review status: criteria provided, single submitter. Criteria: Ambry Variant Classification Scheme 2023. Collection method: clinical testing. Allele origin: germline.
Comment: The p.L364V variant (also known as c.1090T>G), located in coding exon 8 of the ATM gene, results from a T to G substitution at nucleotide position 1090. The leucine at codon 364 is replaced by valine, an amino acid with highly similar properties. This amino acid position is conserved. In addition, this alteration is predicted to be tolerated by in silico analysis. Based on the available evidence, the clinical significance of this variant remains unclear.

Labcorp Genetics (formerly Invitae), Labcorp
Classification: Uncertain significance for Ataxia-telangiectasia syndrome. Last evaluated: 2021-08-27. Review status: criteria provided, single submitter. Criteria: Invitae Variant Classification Sherloc (09022015). Collection method: clinical testing. Allele origin: germline.
Comment: This sequence change replaces leucine with valine at codon 364 of the ATM protein (p.Leu364Val). The leucine residue is moderately conserved and there is a small physicochemical difference between leucine and valine. This variant is present in population databases (rs764821887, ExAC 0.01%). This variant has not been reported in the literature in individuals affected with ATM-related conditions. Algorithms developed to predict the effect of missense changes on protein structure and function output the following: SIFT: "Tolerated"; PolyPhen-2: "Benign"; Align-GVGD: "Class C0". The valine amino acid residue is found in multiple mammalian species, which suggests that this missense change does not adversely affect protein function. In summary, the available evidence is currently insufficient to determine the role of this variant in disease. Therefore, it has been classified as a Variant of Uncertain Significance.

NM_000051.4(ATM):c.1090T>G (p.Leu364Val)

Gene: ATM (ATM serine/threonine kinase; plus strand). Cytogenetic location: 11q22.3.
Variant type: single nucleotide variant.
Coding change: c.1090T>G on transcript NM_000051.4 (MANE Select); coding-DNA position 1090, T replaced by G.
Protein change: p.Leu364Val; replaces leucine 364 with valine.
Molecular consequence: missense variant.
Genome position (GRCh38, 1-based): chr11:108,248,957, T>G. VCF-style: chr11-108248957-T-G. GRCh37 (hg19) VCF-style: chr11-108119684-T-G.
Other names: c.1090T>G (NM_000051.3); c.1090T>G, p.Leu364Val (NM_001351834.2); short protein forms L364V.
Identifiers: ClinVar variation 1487791 (VCV001487791.6), dbSNP rs764821887, ClinGen allele CA6264762.